The following is an entry in ClinVar:

NM_000492.4(CFTR):c.1801A>C (p.Ile601Leu)

Gene: CFTR (CF transmembrane conductance regulator; plus strand). Cytogenetic location: 7q31.2.
Variant type: single nucleotide variant.
Coding change: c.1801A>C on transcript NM_000492.4 (MANE Select); coding-DNA position 1801, A replaced by C.
Protein change: p.Ile601Leu; replaces isoleucine 601 with leucine.
Molecular consequence: missense variant.
Genome position (GRCh38, 1-based): chr7:117,591,968, A>C. VCF-style: chr7-117591968-A-C. GRCh37 (hg19) VCF-style: chr7-117232022-A-C.
Other names: short protein forms I601L.
Identifiers: ClinVar variation 3233549 (VCV003233549.2), dbSNP rs397508306, ClinGen allele CA368977952.

ClinVar aggregate classification (germline): Uncertain significance (1 of 4 stars; one submission).

Submission:

Women's Health and Genetics/Laboratory Corporation of America, LabCorp
Classification: Uncertain significance. Last evaluated: 2024-03-09. Review status: criteria provided, single submitter. Criteria: LabCorp Variant Classification Summary - May 2015. Collection method: clinical testing. Allele origin: germline.
Comment: Variant summary: CFTR c.1801A>C (p.Ile601Leu) results in a conservative amino acid change located in the ABC transporter-like, ATP-binding domain (IPR003439) of the encoded protein sequence. Three of five in-silico tools predict a damaging effect of the variant on protein function. The variant was absent in 233316 control chromosomes. The available data on variant occurrences in the general population are insufficient to allow any conclusion about variant significance. To our knowledge, no occurrence of c.1801A>C in individuals affected with Cystic Fibrosis and no experimental evidence demonstrating its impact on protein function have been reported. No submitters have cited clinical-significance assessments for this variant to ClinVar. Based on the evidence outlined above, the variant was classified as uncertain significance.